The following is an entry in ClinVar:

NM_000478.6(ALPL):c.331G>A (p.Ala111Thr)

Gene: ALPL (alkaline phosphatase, biomineralization associated; plus strand). Cytogenetic location: 1p36.12.
Variant type: single nucleotide variant.
Coding change: c.331G>A on transcript NM_000478.6 (MANE Select); coding-DNA position 331, G replaced by A.
Protein change: p.Ala111Thr; replaces alanine 111 with threonine.
Molecular consequence: missense variant.
Genome position (GRCh38, 1-based): chr1:21,563,143, G>A. VCF-style: chr1-21563143-G-A. GRCh37 (hg19) VCF-style: chr1-21889636-G-A.
Other names: c.166G>A, p.Ala56Thr (NM_001127501.4); c.100G>A, p.Ala34Thr (NM_001177520.3); c.331G>A, p.Ala111Thr (NM_001369803.2, NM_001369804.2, NM_001369805.2); short protein forms A111T, A34T, A56T.
Identifiers: ClinVar variation 829876 (VCV000829876.9), dbSNP rs773257111, ClinGen allele CA666460.

ClinVar aggregate classification (germline): Pathogenic/Likely pathogenic. Review status: criteria provided, multiple submitters, no conflicts (2 of 4 stars). 8 submissions from 8 submitters: Pathogenic (6); Likely pathogenic (1). 1 of the submissions does not count toward it. Last evaluated 2025-08-29.

Conditions:
Hypophosphatasia. Also called: Phosphoethanol-aminuria. Identifiers: Orphanet 436, MedGen C0020630, MeSH D007014, MONDO:0018570.
Adult hypophosphatasia. Identifiers: Orphanet 247676, Orphanet 436, MedGen C0268413, MONDO:1010154, OMIM 146300, MONDO:0007798.
ALPL-related disorder. Also called: ALPL-related disorders; ALPL-related condition.

Allele frequency attached by ClinVar (database versions not stated): ExAC 0.00001; gnomAD 0.00001; gnomAD exomes 0.00001.
gnomAD v4.1: 12 of 1,613,492 alleles (0.00074%); highest among the groups gnomAD compares: Admixed American, 0.0017%; no homozygotes.

Submissions (8):

Genomenon, Inc
Classification: Pathogenic for Hypophosphatasia. Last evaluated: 2025-08-29. Review status: criteria provided, single submitter. Criteria: Genomenon Sequence Variant Interpretation Standards. Collection method: curation. Allele origin: germline. Affected: yes.
Comment: ALPL c.331G>A is a missense variant that changes the amino acid at residue 111 from Alanine to Threonine. This variant has been observed in at least one proband affected with hypophosphatasia (PMID:32973344;9452105;32811521;19500388;29595812;18386808;33101980;24022022;15660230;11855933;10679946;24276437;10094560;12815606). The variant was found to segregate with disease in at least one affected family (PMID:33101980). At least one functional study has demonstrated a substantial alteration in protein function relative to the wild-type (PMID:24022022;19500388;12499779;12162492). This variant has also been described as Ala94Thr in the literature. It is absent or not present at a significant frequency in gnomAD. In silico models agree that this variant is possibly or probably damaging. In conclusion, we classify ALPL p.Ala111Thr (c.331G>A) as a pathogenic variant.

Blueprint Genetics
Classification: Pathogenic for ALPL-related disorders. Last evaluated: 2024-05-07. Review status: criteria provided, single submitter. Criteria: ACMG Guidelines, 2015. Collection method: clinical testing. Allele origin: germline. Affected: yes. Observed: 5 variant alleles.

Women's Health and Genetics/Laboratory Corporation of America, LabCorp
Classification: Pathogenic for Hypophosphatasia. Last evaluated: 2023-11-02. Review status: criteria provided, single submitter. Criteria: LabCorp Variant Classification Summary - May 2015. Collection method: clinical testing. Allele origin: germline.
Comment: Variant summary: ALPL c.331G>A (p.Ala111Thr) results in a non-conservative amino acid change in the encoded protein sequence. Five of five in-silico tools predict a damaging effect of the variant on protein function. The variant allele was found at a frequency of 8e-06 in 250952 control chromosomes. c.331G>A has been reported in the literature as a homozygous and compound heterozygous genotype in individuals affected with autosomal recessive hypophosphatasia with reported perinatal lethal phenotype (e.g.delAngel_2020). The variant has also been reported in at least one heterozygous individual with autosomal dominant odontohypophosphatasia (e.g.delAngel_2020). These data indicate that the variant is very likely to be associated with disease. At least one publication reports experimental evidence evaluating an impact on protein function. The most pronounced variant effect results in <10% of normal enzyme activity in vitro (e.g. delAngel_2020). Three submitters have cited clinical-significance assessments for this variant to ClinVar after 2014. The following publication has been ascertained in the context of this evaluation (PMID: 32160374). All submitters classified the variant as pathogenic (n=2) or likely pathogenic (n=1). Based on the evidence outlined above, the variant was classified as pathogenic.

GeneDx
Classification: Pathogenic. Last evaluated: 2023-09-01. Review status: criteria provided, single submitter. Criteria: GeneDx Variant Classification Process June 2021. Collection method: clinical testing. Allele origin: germline. Affected: yes.
Comment: Published functional studies demonstrate a damaging dominant negative effect (Fauvert et al., 2009; Yang et al., 2013); Not observed at significant frequency in large population cohorts (gnomAD); This variant is associated with the following publications: (PMID: 34662886, 33101980, 9452105, 24022022, 29595812, 32160374, 18386808, 19500388)

Baylor Genetics
Classification: Pathogenic for Adult hypophosphatasia. Last evaluated: 2023-08-26. Review status: criteria provided, single submitter. Criteria: ACMG Guidelines, 2015. Collection method: clinical testing. Allele origin: unknown.

Genetics and Molecular Pathology, SA Pathology
Classification: Pathogenic for Hypophosphatasia. Last evaluated: 2021-02-23. Review status: criteria provided, single submitter. Criteria: ACMG Guidelines, 2015. Collection method: clinical testing. Allele origin: germline. Affected: yes.

Labcorp Genetics (formerly Invitae), Labcorp
Classification: Likely pathogenic. Last evaluated: 2019-03-14. Review status: criteria provided, single submitter. Criteria: Invitae Variant Classification Sherloc (09022015). Collection method: clinical testing. Allele origin: germline.
Comment: This sequence change replaces alanine with threonine at codon 111 of the ALPL protein (p.Ala111Thr). The alanine residue is highly conserved and there is a small physicochemical difference between alanine and threonine. This variant is not present in population databases (ExAC no frequency). This variant has been observed in individuals with hypophosphatasia (PMID: 24022022, 19500388, 9452105). This variant is also known as p.Ala94Thr in the literature. This missense variant has been reported substantially affect the alkaline phosphatase activity of the ALPL protein (PMID: 24022022, 19500388). In summary, the currently available evidence indicates that the variant is pathogenic, but additional data are needed to prove that conclusively. Therefore, this variant has been classified as Likely Pathogenic.

Bioscientia Institut fuer Medizinische Diagnostik GmbH, Sonic Healthcare
Classification: Pathogenic for Adult hypophosphatasia. Last evaluated: 2019-06-25. Review status: no assertion criteria provided. Collection method: clinical testing. Allele origin: germline. Affected: yes. Not counted in ClinVar's aggregate classification.

Literature cited by the submitters: PubMed 32973344 (cited by Genomenon, Inc); PubMed 9452105 (cited by Genomenon, Inc and Labcorp Genetics (formerly Invitae), Labcorp); PubMed 32811521 (cited by Genomenon, Inc); PubMed 19500388 (cited by Genomenon, Inc and Labcorp Genetics (formerly Invitae), Labcorp); PubMed 29595812 (cited by Genomenon, Inc); PubMed 18386808 (cited by Genomenon, Inc); PubMed 33101980 (cited by Genomenon, Inc); PubMed 24022022 (cited by Genomenon, Inc and Labcorp Genetics (formerly Invitae), Labcorp); PubMed 15660230 (cited by Genomenon, Inc); PubMed 11855933 (cited by Genomenon, Inc); PubMed 10679946 (cited by Genomenon, Inc); PubMed 24276437 (cited by Genomenon, Inc); PubMed 10094560 (cited by Genomenon, Inc); PubMed 12815606 (cited by Genomenon, Inc); PubMed 12499779 (cited by Genomenon, Inc); PubMed 12162492 (cited by Genomenon, Inc); PubMed 32160374 (cited by Women's Health and Genetics/Laboratory Corporation of America, LabCorp).